The following is an entry in ClinVar:

NM_130384.3(ATRIP):c.1555G>T (p.Asp519Tyr)

Genes: ATRIP (ATR interacting protein; plus strand), ATRIP-TREX1 (ATRIP-TREX1 readthrough; plus strand). Cytogenetic location: 3p21.31.
Variant type: single nucleotide variant.
Coding change: c.1555G>T on transcript NM_130384.3 (MANE Select); coding-DNA position 1555, G replaced by T.
Protein change: p.Asp519Tyr; replaces aspartic acid 519 with tyrosine.
Molecular consequence: missense variant. On other transcripts: non-coding transcript variant (1).
Genome position (GRCh38, 1-based): chr3:48,460,609, G>T. VCF-style: chr3-48460609-G-T. GRCh37 (hg19) VCF-style: chr3-48502008-G-T.
Other names: c.1174G>T, p.Asp392Tyr (NM_001271022.2); c.1276G>T, p.Asp426Tyr (NM_001271023.2); c.1555G>T, p.Asp519Tyr (NM_032166.4); short protein forms D392Y, D426Y, D519Y.
Identifiers: ClinVar variation 4867202 (VCV004867202.1).

ClinVar aggregate classification (germline): Uncertain significance (1 of 4 stars; one submission).

Submission:

Ambry Genetics
Classification: Uncertain significance. Last evaluated: 2026-03-30. Review status: criteria provided, single submitter. Criteria: Ambry Variant Classification Scheme 2023. Collection method: clinical testing. Allele origin: germline.
Comment: The p.D519Y variant (also known as c.1555G>T), located in coding exon 8 of the ATRIP gene, results from a G to T substitution at nucleotide position 1555. The aspartic acid at codon 519 is replaced by tyrosine, an amino acid with highly dissimilar properties. This amino acid position is conserved. In addition, this alteration is predicted to be tolerated by in silico analysis. Based on the available evidence, the clinical significance of this variant remains unclear.